The following is an entry in ClinVar:

NM_014915.3(ANKRD26):c.3669A>C (p.Gln1223His)

Gene: ANKRD26 (ankyrin repeat domain containing 26; minus strand). Cytogenetic location: 10p12.1.
Variant type: single nucleotide variant.
Coding change: c.3669A>C on transcript NM_014915.3 (MANE Select); coding-DNA position 3669, A replaced by C.
Protein change: p.Gln1223His; replaces glutamine 1223 with histidine.
Molecular consequence: missense variant.
Genome position (GRCh38, 1-based): chr10:27,033,363, T>G on the plus strand (A>C on the coding strand, the complement: ANKRD26 is on the minus strand). VCF-style: chr10-27033363-T-G. GRCh37 (hg19) VCF-style: chr10-27322292-T-G.
Other names: c.3666A>C, p.Gln1222His (NM_001256053.2); short protein forms Q1222H, Q1223H.
Identifiers: ClinVar variation 2514794 (VCV002514794.3), dbSNP rs755561695, ClinGen allele CA376361263.

ClinVar aggregate classification (germline): Uncertain significance (1 of 4 stars; one submission).

Conditions:
Inborn genetic diseases. Identifiers: MedGen C0950123, MeSH D030342.

Submission:

Ambry Genetics
Classification: Uncertain significance for Inborn genetic diseases. Last evaluated: 2025-03-02. Review status: criteria provided, single submitter. Criteria: Ambry Variant Classification Scheme 2023. Collection method: clinical testing. Allele origin: germline.
Comment: The p.Q1223H variant (also known as c.3669A>C), located in coding exon 25 of the ANKRD26 gene, results from an A to C substitution at nucleotide position 3669. The glutamine at codon 1223 is replaced by histidine, an amino acid with highly similar properties. This amino acid position is conserved. In addition, this alteration is predicted to be tolerated by in silico analysis. Based on the available evidence, the clinical significance of this variant remains unclear.